The following is an entry in ClinVar:

NM_004444.5(EPHB4):c.1471C>T (p.Arg491Trp)

Gene: EPHB4 (EPH receptor B4; minus strand). Cytogenetic location: 7q22.1.
Variant type: single nucleotide variant.
Coding change: c.1471C>T on transcript NM_004444.5 (MANE Select); coding-DNA position 1471, C replaced by T.
Protein change: p.Arg491Trp; replaces arginine 491 with tryptophan.
Molecular consequence: missense variant.
Genome position (GRCh38, 1-based): chr7:100,817,309, G>A on the plus strand (C>T on the coding strand, the complement: EPHB4 is on the minus strand). VCF-style: chr7-100817309-G-A. GRCh37 (hg19) VCF-style: chr7-100414931-G-A.
Other names: short protein forms R491W.
Identifiers: ClinVar variation 2497593 (VCV002497593.3), dbSNP rs371751665, ClinGen allele CA4392967.
Genomic context (GRCh38, chr7:100,817,309, plus strand): 5'-AGCGCGCCCGTACCTGCACCAGGTAGCTGGCTCCCCGCTTCAGCCCCCGCAGCTCTGCCC[G>A]GTTTTCTGACGTCTTCAGGAACCGCACGCTGCTGGGACCCTCGGCGCCCTGTCCGGGAGA-3'
Protein context (NP_004435.3, residues 481-501): SVRFLKTSEN[Arg491Trp]AELRGLKRGA

ClinVar aggregate classification (germline): Uncertain significance (1 of 4 stars; one submission).

Conditions:
Cardiovascular phenotype. Identifiers: MedGen CN230736.

Submission:

Ambry Genetics
Classification: Uncertain significance for Cardiovascular phenotype. Last evaluated: 2025-06-10. Review status: criteria provided, single submitter. Criteria: Ambry Variant Classification Scheme 2023. Collection method: clinical testing. Allele origin: germline.
Comment: The p.R491W variant (also known as c.1471C>T), located in coding exon 8 of the EPHB4 gene, results from a C to T substitution at nucleotide position 1471. The arginine at codon 491 is replaced by tryptophan, an amino acid with dissimilar properties. This amino acid position is conserved. In addition, this alteration is predicted to be deleterious by in silico analysis. Since supporting evidence is limited at this time, the clinical significance of this alteration remains unclear.